The following is an entry in ClinVar:

NM_005228.5(EGFR):c.1277T>C (p.Ile426Thr)

Gene: EGFR (epidermal growth factor receptor; plus strand). Cytogenetic location: 7p11.2.
Variant type: single nucleotide variant.
Coding change: c.1277T>C on transcript NM_005228.5 (MANE Select); coding-DNA position 1277, T replaced by C.
Protein change: p.Ile426Thr; replaces isoleucine 426 with threonine.
Molecular consequence: missense variant.
Genome position (GRCh38, 1-based): chr7:55,157,732, T>C. VCF-style: chr7-55157732-T-C. GRCh37 (hg19) VCF-style: chr7-55225425-T-C.
Other names: c.1277T>C (NM_005228.3); c.1142T>C, p.Ile381Thr (NM_001346897.2, NM_001346899.2); c.1277T>C, p.Ile426Thr (NM_001346898.2, NM_201282.2, NM_201284.2); c.1118T>C, p.Ile373Thr (NM_001346900.2); c.476T>C, p.Ile159Thr (NM_001346941.2); short protein forms I159T, I373T, I381T, I426T.
Identifiers: ClinVar variation 1499948 (VCV001499948.7), dbSNP rs2128939735, ClinGen allele CA367579245.

ClinVar aggregate classification (germline): Uncertain significance. Review status: criteria provided, multiple submitters, no conflicts (2 of 4 stars). 2 submissions from 2 submitters: Uncertain significance (2). Last evaluated 2025-12-22.

Conditions:
Hereditary cancer-predisposing syndrome. Also called: Tumor predisposition; Hereditary neoplastic syndrome; Neoplastic Syndromes, Hereditary; Hereditary Cancer Syndrome. Identifiers: Orphanet 140162, MedGen C0027672, MeSH D009386, MONDO:0015356.
EGFR-related lung cancer (EGFR). Identifiers: MedGen CN130014.

Submissions (2):

Labcorp Genetics (formerly Invitae), Labcorp
Classification: Uncertain significance for EGFR-related lung cancer. Last evaluated: 2025-12-22. Review status: criteria provided, single submitter. Criteria: Invitae Variant Classification Sherloc (09022015). Collection method: clinical testing. Allele origin: germline.
Comment: This sequence change replaces isoleucine, which is neutral and non-polar, with threonine, which is neutral and polar, at codon 426 of the EGFR protein (p.Ile426Thr). This variant is not present in population databases (gnomAD no frequency). This variant has not been reported in the literature in individuals affected with EGFR-related conditions. ClinVar contains an entry for this variant (Variation ID: 1499948). Invitae Evidence Modeling of protein sequence and biophysical properties (such as structural, functional, and spatial information, amino acid conservation, physicochemical variation, residue mobility, and thermodynamic stability) has been performed for this missense variant. However, the output from this modeling did not meet the statistical confidence thresholds required to predict the impact of this variant on EGFR protein function. In summary, the available evidence is currently insufficient to determine the role of this variant in disease. Therefore, it has been classified as a Variant of Uncertain Significance.

Ambry Genetics
Classification: Uncertain significance for Hereditary cancer-predisposing syndrome. Last evaluated: 2025-08-08. Review status: criteria provided, single submitter. Criteria: Ambry Variant Classification Scheme 2023. Collection method: clinical testing. Allele origin: germline.
Comment: The p.I426T variant (also known as c.1277T>C), located in coding exon 11 of the EGFR gene, results from a T to C substitution at nucleotide position 1277. The isoleucine at codon 426 is replaced by threonine, an amino acid with similar properties. This amino acid position is conserved. In addition, this alteration is predicted to be deleterious by in silico analysis. Based on the available evidence, the clinical significance of this variant remains unclear.